The following is an entry in ClinVar:

NM_032043.3(BRIP1):c.1161A>G (p.Glu387=)

Gene: BRIP1 (BRCA1 interacting DNA helicase 1; minus strand). Cytogenetic location: 17q23.2.
Variant type: single nucleotide variant.
Coding change: c.1161A>G on transcript NM_032043.3 (MANE Select); coding-DNA position 1161, A replaced by G.
Protein change: p.Glu387=; no amino-acid change (glutamic acid 387 retained).
Molecular consequence: synonymous variant.
Genome position (GRCh38, 1-based): chr17:61,799,279, T>C on the plus strand (A>G on the coding strand, the complement: BRIP1 is on the minus strand). VCF-style: chr17-61799279-T-C. GRCh37 (hg19) VCF-style: chr17-59876640-T-C.
Identifiers: ClinVar variation 1150157 (VCV001150157.14), dbSNP rs2145309623, ClinGen allele CA501151692.
Genomic context (GRCh38, chr17:61,799,279, plus strand): 5'-ACTTGCTGATTCCCGAGCACAGTCCTCGATGTTATGAGCTTCATCTAAAATGACAACCTG[T>C]TCTTTCAGATTTAAATCCATCTATAAGATAAAAGAATTTTCTTGTAAAACATTTGGCAAA-3'
Protein context (NP_114432.2, residues 377-397): IRESMDLNLK[Glu387=]QVVILDEAHN

ClinVar aggregate classification (germline): Benign/Likely benign. Review status: criteria provided, multiple submitters, no conflicts (2 of 4 stars). 4 submissions from 4 submitters: Benign (1); Likely benign (3). Last evaluated 2024-08-26.

Conditions:
Hereditary cancer-predisposing syndrome. Also called: Hereditary neoplastic syndrome; Hereditary Cancer Syndrome; Tumor predisposition; Neoplastic Syndromes, Hereditary. Identifiers: Orphanet 140162, MedGen C0027672, MeSH D009386, MONDO:0015356.
Familial cancer of breast. Also called: hereditary breast carcinoma; BREAST CANCER, FAMILIAL; Hereditary breast cancer. Identifiers: Orphanet 227535, MedGen C0346153, MONDO:0016419, OMIM 114480. Disease mechanism: loss of function.
Fanconi anemia complementation group J. Also called: BRIP1-Related Fanconi Anemia. Identifiers: Orphanet 84, MedGen C1836860, MONDO:0012187, OMIM 609054.

Submissions (4):

Myriad Genetics, Inc.
Classification: Benign for Familial cancer of breast. Last evaluated: 2024-08-26. Review status: criteria provided, single submitter. Criteria: Myriad Autosomal Dominant, Autosomal Recessive and X-Linked Classification Criteria (2023). Collection method: clinical testing. Allele origin: unknown.
Comment: This variant is considered benign. This variant is a silent/synonymous amino acid change and it is not expected to impact splicing.

Blueprint Genetics
Classification: Likely benign. Last evaluated: 2022-11-15. Review status: criteria provided, single submitter. Criteria: ACMG Guidelines, 2015. Collection method: clinical testing. Allele origin: germline.

Ambry Genetics
Classification: Likely benign for Hereditary cancer-predisposing syndrome. Last evaluated: 2021-03-30. Review status: criteria provided, single submitter. Criteria: Ambry Variant Classification Scheme 2023. Collection method: clinical testing. Allele origin: germline.

Labcorp Genetics (formerly Invitae), Labcorp
Classification: Likely benign for Familial cancer of breast; Fanconi anemia complementation group J. Last evaluated: 2019-02-24. Review status: criteria provided, single submitter. Criteria: Invitae Variant Classification Sherloc (09022015). Collection method: clinical testing. Allele origin: germline.